The following is an entry in ClinVar:

ClinVar aggregate classification (germline): Uncertain significance (1 of 4 stars; one submission).

Conditions:
Hereditary cancer-predisposing syndrome. Also called: Neoplastic Syndromes, Hereditary; Tumor predisposition; Hereditary Cancer Syndrome; Hereditary neoplastic syndrome. Identifiers: Orphanet 140162, MedGen C0027672, MeSH D009386, MONDO:0015356.

Submission:

Ambry Genetics
Classification: Uncertain significance for Hereditary cancer-predisposing syndrome. Last evaluated: 2024-08-05. Review status: criteria provided, single submitter. Criteria: Ambry Variant Classification Scheme 2023. Collection method: clinical testing. Allele origin: germline.
Comment: The p.I1504T variant (also known as c.4511T>C), located in coding exon 35 of the POLE gene, results from a T to C substitution at nucleotide position 4511. The isoleucine at codon 1504 is replaced by threonine, an amino acid with similar properties. This amino acid position is conserved. In addition, this alteration is predicted to be tolerated by in silico analysis. Based on the available evidence, the clinical significance of this variant remains unclear.

NM_006231.4(POLE):c.4511T>C (p.Ile1504Thr)

Gene: POLE (DNA polymerase epsilon, catalytic subunit; minus strand). Cytogenetic location: 12q24.33.
Variant type: single nucleotide variant.
Coding change: c.4511T>C on transcript NM_006231.4 (MANE Select); coding-DNA position 4511, T replaced by C.
Protein change: p.Ile1504Thr; replaces isoleucine 1504 with threonine.
Molecular consequence: missense variant.
Genome position (GRCh38, 1-based): chr12:132,643,264, A>G on the plus strand (T>C on the coding strand, the complement: POLE is on the minus strand). VCF-style: chr12-132643264-A-G. GRCh37 (hg19) VCF-style: chr12-133219850-A-G.
Other names: short protein forms I1504T.
Identifiers: ClinVar variation 3422126 (VCV003422126.1).
Genomic context (GRCh38, chr12:132,643,264, plus strand): 5'-ATGGAGGGCCCAGGACTCACAGTGTCCAGCACAAAGACGGATGCCCTGCGCTGTGAGGGG[A>G]TGAAGATCCCGAAGAGCGCTTTGTGGGCCTGTGCGTGGTGGTACAGGTAGATATGGCGGA-3'
Protein context (NP_006222.2, residues 1494-1514): QAHKALFGIF[Ile1504Thr]PSQRRASVFV